The following is an entry in ClinVar:

ClinVar aggregate classification (germline): Conflicting classifications of pathogenicity. Review status: criteria provided, conflicting classifications (1 of 4 stars). 4 submissions from 4 submitters: Uncertain significance (1); Likely benign (2). 1 of the submissions does not count toward it. Last evaluated 2025-06-16.

Conditions:
PLEC-related disorder. Also called: PLEC-related disorders; PLEC-related condition.
Epidermolysis bullosa simplex 5B, with muscular dystrophy (EBS5B). Also called: Epidermolysis bullosa simplex with muscular dystrophy; EPIDERMOLYSIS BULLOSA SIMPLEX AND LIMB-GIRDLE MUSCULAR DYSTROPHY. Identifiers: Orphanet 257, MedGen C2931072, MONDO:0009181, OMIM 226670.
Autosomal recessive limb-girdle muscular dystrophy type 2Q (LGMDR17). Also called: MUSCULAR DYSTROPHY, LIMB-GIRDLE, AUTOSOMAL RECESSIVE 17. Identifiers: Orphanet 254361, MedGen C3150989, MONDO:0013390, OMIM 613723.
Epidermolysis bullosa simplex, Ogna type (EBS5A). Also called: Pidermolysis bullosa simplex 5A, Ogna type; EPIDERMOLYSIS BULLOSA SIMPLEX 5A, OGNA TYPE. Identifiers: Orphanet 79401, MedGen C0432317, MONDO:0007555, OMIM 131950.
Epidermolysis bullosa simplex 5C, with pyloric atresia (EBS5C). Also called: PLEC-Related Epidermolysis Bullosa with Pyloric Atresia; Epidermolysis bullosa simplex with pyloric atresia; PLEC1-Related Epidermolysis Bullosa with Pyloric Atresia. Identifiers: Orphanet 158684, MedGen C2677349, MONDO:0012807, OMIM 612138.
Epidermolysis bullosa simplex with nail dystrophy (EBS5D). Identifiers: MedGen C4225309, MONDO:0014661, OMIM 616487.

Allele frequency attached by ClinVar (database versions not stated): gnomAD exomes 0.00012 and 0.00006; 1000 Genomes Project 30x 0.00016; gnomAD 0.00016; ExAC 0.00006; ESP Exome Variant Server 0.00008; TOPMed 0.00008; 1000 Genomes Project 0.00020.
gnomAD v4.1: 175 of 1,612,232 alleles (0.011%); highest among the groups gnomAD compares: Middle Eastern, 0.016%; no homozygotes.

Submissions (4):

Labcorp Genetics (formerly Invitae), Labcorp
Classification: Likely benign for Autosomal recessive limb-girdle muscular dystrophy type 2Q; Epidermolysis bullosa simplex, Ogna type; Epidermolysis bullosa simplex with nail dystrophy; Epidermolysis bullosa simplex 5C, with pyloric atresia; Epidermolysis bullosa simplex 5B, with muscular dystrophy. Last evaluated: 2025-06-16. Review status: criteria provided, single submitter. Criteria: Invitae Variant Classification Sherloc (09022015). Collection method: clinical testing. Allele origin: germline.

Blueprint Genetics
Classification: Likely benign. Last evaluated: 2024-10-23. Review status: criteria provided, single submitter. Criteria: ACMG Guidelines, 2015. Collection method: clinical testing. Allele origin: germline.

Eurofins Ntd Llc (ga)
Classification: Uncertain significance. Last evaluated: 2018-06-01. Review status: criteria provided, single submitter. Criteria: EGL ClinVar v180209 classification definitions. Collection method: clinical testing. Allele origin: germline. Observed: 2 variant alleles, 2 heterozygotes.

PreventionGenetics, part of Exact Sciences
Classification: Likely benign for PLEC-related condition. Last evaluated: 2024-05-07. Review status: no assertion criteria provided. Collection method: clinical testing. Allele origin: germline. Not counted in ClinVar's aggregate classification.
Comment: This variant is classified as likely benign based on ACMG/AMP sequence variant interpretation guidelines (Richards et al. 2015 PMID: 25741868, with internal and published modifications).

NM_201384.3(PLEC):c.11823C>T (p.Asp3941=)

Gene: PLEC (plectin; minus strand). Cytogenetic location: 8q24.3.
Variant type: single nucleotide variant.
Coding change: c.11823C>T on transcript NM_201384.3 (MANE Select); coding-DNA position 11823, C replaced by T.
Protein change: p.Asp3941=; no amino-acid change (aspartic acid 3941 retained).
Molecular consequence: synonymous variant.
Genome position (GRCh38, 1-based): chr8:143,917,998, G>A on the plus strand (C>T on the coding strand, the complement: PLEC is on the minus strand). VCF-style: chr8-143917998-G-A. GRCh37 (hg19) VCF-style: chr8-144992166-G-A.
Other names: c.11904C>T (NM_000445.4); c.11904C>T, p.Asp3968= (NM_000445.5); c.11781C>T, p.Asp3927= (NM_201378.4); c.11757C>T, p.Asp3919= (NM_201379.3); c.12234C>T, p.Asp4078= (NM_201380.4); c.11727C>T, p.Asp3909= (NM_201381.3); c.11823C>T, p.Asp3941= (NM_201382.4); c.11835C>T, p.Asp3945= (NM_201383.3).
Identifiers: ClinVar variation 592719 (VCV000592719.14), dbSNP rs201426199, ClinGen allele CA4924240.